The following is an entry in ClinVar:

ClinVar aggregate classification (germline): Pathogenic/Likely pathogenic. Review status: criteria provided, multiple submitters, no conflicts (2 of 4 stars). 4 submissions from 4 submitters: Pathogenic (2); Likely pathogenic (1). 1 of the submissions does not count toward it. Last evaluated 2025-10-14.

Conditions:
NBN-related disorder. Also called: NBN-related condition.
Aplastic anemia. Identifiers: Orphanet 182040, Orphanet 88, MedGen C0002874, MONDO:0015909, OMIM 609135, HP:0001915.
Hereditary cancer-predisposing syndrome. Also called: Neoplastic Syndromes, Hereditary; Hereditary neoplastic syndrome; Tumor predisposition; Hereditary Cancer Syndrome. Identifiers: Orphanet 140162, MedGen C0027672, MeSH D009386, MONDO:0015356.
Microcephaly, normal intelligence and immunodeficiency (NBS). Also called: Immunodeficiency, microcephaly with normal intelligence; Ataxia telangiectasia variant V1; IMMUNODEFICIENCY, MICROCEPHALY, AND CHROMOSOMAL INSTABILITY; BERLIN BREAKAGE SYNDROME; SEEMANOVA SYNDROME II; Nijmegen breakage syndrome. Identifiers: Orphanet 647, MedGen C0398791, MONDO:0009623, OMIM 251260.

Submissions (4):

Labcorp Genetics (formerly Invitae), Labcorp
Classification: Pathogenic for Microcephaly, normal intelligence and immunodeficiency. Last evaluated: 2025-10-14. Review status: criteria provided, single submitter. Criteria: Invitae Variant Classification Sherloc (09022015). Collection method: clinical testing. Allele origin: germline.
Comment: This sequence change creates a premature translational stop signal (p.Glu552Glyfs*4) in the NBN gene. It is expected to result in an absent or disrupted protein product. Loss-of-function variants in NBN are known to be pathogenic (PMID: 9590180, 16415040). This variant is present in population databases (rs760237820, gnomAD 0.007%). This variant has not been reported in the literature in individuals affected with NBN-related conditions. ClinVar contains an entry for this variant (Variation ID: 530754). For these reasons, this variant has been classified as Pathogenic.

Baylor Genetics
Classification: Likely pathogenic for Aplastic anemia. Last evaluated: 2023-12-20. Review status: criteria provided, single submitter. Criteria: ACMG Guidelines, 2015. Collection method: clinical testing. Allele origin: unknown.

Ambry Genetics
Classification: Pathogenic for Hereditary cancer-predisposing syndrome. Last evaluated: 2021-06-29. Review status: criteria provided, single submitter. Criteria: Ambry Variant Classification Scheme 2023. Collection method: clinical testing. Allele origin: germline.
Comment: The c.1654dupG pathogenic mutation, located in coding exon 11 of the NBN gene, results from a duplication of G at nucleotide position 1654, causing a translational frameshift with a predicted alternate stop codon (p.E552Gfs*4). This alteration is expected to result in loss of function by premature protein truncation or nonsense-mediated mRNA decay. As such, this alteration is interpreted as a disease-causing mutation.

PreventionGenetics, part of Exact Sciences
Classification: Likely pathogenic for NBN-related condition. Last evaluated: 2024-03-16. Review status: no assertion criteria provided. Collection method: clinical testing. Allele origin: germline. Not counted in ClinVar's aggregate classification.
Comment: The NBN c.1654dupG variant is predicted to result in a frameshift and premature protein termination (p.Glu552Glyfs*4). To our knowledge, this variant has not been reported in the literature. This variant is reported in 0.0062% of alleles in individuals of African descent in gnomAD. Frameshift variants in NBN are expected to be pathogenic. This variant is interpreted as likely pathogenic.

Literature cited by the submitters: PubMed 9590180 (cited by Labcorp Genetics (formerly Invitae), Labcorp); PubMed 16415040 (cited by Labcorp Genetics (formerly Invitae), Labcorp).

NM_002485.5(NBN):c.1654dup (p.Glu552fs)

Gene: NBN (nibrin; minus strand). Cytogenetic location: 8q21.3.
Variant type: Duplication.
Coding change: c.1654dup on transcript NM_002485.5 (MANE Select); coding-DNA position 1654, one base duplicated (G; older notation c.1654dupG).
Protein change: p.Glu552fs; shifts the reading frame from glutamic acid 552.
Molecular consequence: frameshift variant.
Genome position (GRCh38, 1-based): chr8:89,953,435, C duplicated on the plus strand (G on the coding strand, the reverse complement: NBN is on the minus strand); the first of 3 consecutive C bases (chr8:89,953,435-89,953,437); duplicating any one gives the same sequence. VCF-style (leftmost placement, unchanged base first): chr8-89953434-T-TC. GRCh37 (hg19) VCF-style: chr8-90965662-T-TC.
Other names: c.1654dupG (NM_002485.4); c.1408dup, p.Glu470fs (NM_001024688.3); short protein forms E552fs, E470fs.
Identifiers: ClinVar variation 530754 (VCV000530754.15), dbSNP rs760237820, ClinGen allele CA4802694.